The following is an entry in ClinVar:

ClinVar aggregate classification (germline): Uncertain significance (1 of 4 stars; one submission).

Submission:

CeGaT Center for Human Genetics Tuebingen
Classification: Uncertain significance. Last evaluated: 2023-01-01. Review status: criteria provided, single submitter. Criteria: CeGaT Center For Human Genetics Tuebingen Variant Classification Criteria Version 2. Collection method: clinical testing. Allele origin: germline. Affected: yes. Observed: 1 variant allele.
Comment: MAF: PM2, PP3

NM_005360.5(MAF):c.590C>G (p.Ala197Gly)

Gene: MAF (MAF bZIP transcription factor; minus strand). Cytogenetic location: 16q23.2.
Variant type: single nucleotide variant.
Coding change: c.590C>G on transcript NM_005360.5 (MANE Select); coding-DNA position 590, C replaced by G.
Protein change: p.Ala197Gly; replaces alanine 197 with glycine.
Molecular consequence: missense variant.
Genome position (GRCh38, 1-based): chr16:79,599,313, G>C on the plus strand (C>G on the coding strand, the complement: MAF is on the minus strand). VCF-style: chr16-79599313-G-C. GRCh37 (hg19) VCF-style: chr16-79633210-G-C.
Other names: c.590C>G, p.Ala197Gly (NM_001031804.3); short protein forms A197G.
Identifiers: ClinVar variation 2646890 (VCV002646890.24), dbSNP rs2143808140, ClinGen allele CA396535619.